The following is an entry in ClinVar:

NM_001003787.4(STRADA):c.196G>C (p.Gly66Arg)

Gene: STRADA (STE20 related adaptor alpha; minus strand). Cytogenetic location: 17q23.3.
Variant type: single nucleotide variant.
Coding change: c.196G>C on transcript NM_001003787.4 (MANE Select); coding-DNA position 196, G replaced by C.
Protein change: p.Gly66Arg; replaces glycine 66 with arginine.
Molecular consequence: missense variant. On other transcripts: non-coding transcript variant (1), intron variant (1).
Genome position (GRCh38, 1-based): chr17:63,714,036, C>G on the plus strand (G>C on the coding strand, the complement: STRADA is on the minus strand). VCF-style: chr17-63714036-C-G. GRCh37 (hg19) VCF-style: chr17-61791396-C-G.
Other names: c.85G>C, p.Gly29Arg (NM_001003786.3, NM_001363789.1, NM_153335.6); c.22G>C, p.Gly8Arg (NM_001003788.3, NM_001363790.1, NM_001363791.1); c.109G>C, p.Gly37Arg (NM_001165969.2, NM_001363787.1); c.172G>C, p.Gly58Arg (NM_001363786.1); c.196G>C, p.Gly66Arg (NM_001363788.1); c.95-509G>C (NM_001165970.2); short protein forms G29R, G8R, G37R, G58R, G66R.
Identifiers: ClinVar variation 654210 (VCV000654210.8), dbSNP rs1598188425, ClinGen allele CA400594132.
Genomic context (GRCh38, chr17:63,714,036, plus strand): 5'-CAGGAGAGTAAGGACGGCCCCTGCACATACCTATCACAGTGAGCAGCTCGTAACACCCTC[C>G]CTCTGGCAGAAAGCTACTCATGACCTCCTGTTTAGAGAAGGATGCTATTGACTCTGAGCT-3'
Protein context (NP_001003787.1, residues 56-76): QEVMSSFLPE[Gly66Arg]GCYELLTVIG

ClinVar aggregate classification (germline): Uncertain significance (1 of 4 stars; one submission).

Conditions:
Polyhydramnios, megalencephaly, and symptomatic epilepsy (PMSE). Also called: PMSE SYNDROME. Identifiers: Orphanet 500533, MedGen C1970203, MONDO:0012611, OMIM 611087.

Submission:

Labcorp Genetics (formerly Invitae), Labcorp
Classification: Uncertain significance for Polyhydramnios, megalencephaly, and symptomatic epilepsy. Last evaluated: 2018-10-25. Review status: criteria provided, single submitter. Criteria: Invitae Variant Classification Sherloc (09022015). Collection method: clinical testing. Allele origin: germline.
Comment: Algorithms developed to predict the effect of missense changes on protein structure and function (SIFT, PolyPhen-2, Align-GVGD) all suggest that this variant is likely to be tolerated, but these predictions have not been confirmed by published functional studies and their clinical significance is uncertain. This variant has not been reported in the literature in individuals with STRADA-related disease. This variant is not present in population databases (ExAC no frequency). This sequence change replaces glycine with arginine at codon 66 of the STRADA protein (p.Gly66Arg). The glycine residue is weakly conserved and there is a moderate physicochemical difference between glycine and arginine. In summary, the available evidence is currently insufficient to determine the role of this variant in disease. Therefore, it has been classified as a Variant of Uncertain Significance.